The following is an entry in ClinVar:

NM_001024630.4(RUNX2):c.917del (p.Tyr306fs)

Gene: RUNX2 (RUNX family transcription factor 2; plus strand). Cytogenetic location: 6p21.1.
Variant type: Deletion.
Coding change: c.917del on transcript NM_001024630.4 (MANE Select); coding-DNA position 917, one base deleted (A; older notation c.917delA).
Protein change: p.Tyr306fs; shifts the reading frame from tyrosine 306.
Molecular consequence: frameshift variant.
Genome position (GRCh38, 1-based): chr6:45,512,303, A deleted. VCF-style (leftmost placement, unchanged base first): chr6-45512302-TA-T. GRCh37 (hg19) VCF-style: chr6-45480039-TA-T.
Other names: c.875del, p.Tyr292fs (NM_001278478.2, NM_001369405.1); c.875delA, p.Tyr292Serfs (NM_004348.3); c.917del, p.Tyr306fs (NM_001015051.4); short protein forms Y306fs, Y292fs.
Identifiers: ClinVar variation 2760147 (VCV002760147.3), dbSNP rs2548650318, ClinGen allele CA2697553429.

ClinVar aggregate classification (germline): Pathogenic (1 of 4 stars; one submission).

Submission:

Labcorp Genetics (formerly Invitae), Labcorp
Classification: Pathogenic. Last evaluated: 2023-09-11. Review status: criteria provided, single submitter. Criteria: Invitae Variant Classification Sherloc (09022015). Collection method: clinical testing. Allele origin: germline.
Comment: This sequence change creates a premature translational stop signal (p.Tyr306Serfs*2) in the RUNX2 gene. It is expected to result in an absent or disrupted protein product. Loss-of-function variants in RUNX2 are known to be pathogenic (PMID: 10521292, 11857736). For these reasons, this variant has been classified as Pathogenic. This variant has not been reported in the literature in individuals affected with RUNX2-related conditions. This variant is not present in population databases (gnomAD no frequency).

Literature cited by the submitters: PubMed 10521292; PubMed 11857736.